The following is an entry in ClinVar:

ClinVar aggregate classification (germline): Benign (1 of 4 stars; one submission).

Allele frequency attached by ClinVar (database versions not stated): 1000 Genomes Project 30x 0.12742; 1000 Genomes Project 0.12979; TOPMed 0.16380; gnomAD 0.17052; gnomAD exomes 0.21211.
gnomAD v4.1: 200,027 of 974,768 alleles (21%); highest among the groups gnomAD compares: Admixed American, 24%; 21,323 homozygotes.

Submission:

Unidad de Genómica Garrahan, Hospital de Pediatría Garrahan
Classification: Benign. Last evaluated: 2024-01-24. Review status: criteria provided, single submitter. Criteria: ACMG Guidelines, 2015. Collection method: clinical testing. Allele origin: germline. Affected: no. Observed: 46 variant alleles.
Comment: This variant is classified as Benign based on local population frequency. This variant was detected in 48% of patients studied by a panel of primary immunodeficiencies. Number of patients: 46. Only high quality variants are reported.

NM_004946.3(DOCK2):c.2799+642G>A

Gene: DOCK2 (dedicator of cytokinesis 2; plus strand). Cytogenetic location: 5q35.1.
Variant type: single nucleotide variant.
Coding change: c.2799+642G>A on transcript NM_004946.3 (MANE Select); 642 bases into the intron after coding-DNA position 2799, G replaced by A.
Molecular consequence: intron variant.
Genome position (GRCh38, 1-based): chr5:169,841,494, G>A. VCF-style: chr5-169841494-G-A. GRCh37 (hg19) VCF-style: chr5-169268498-G-A.
Identifiers: ClinVar variation 2688131 (VCV002688131.2), dbSNP rs13186967, ClinGen allele CA12075217.